The following is an entry in ClinVar:

ClinVar aggregate classification (germline): Uncertain significance. Review status: criteria provided, multiple submitters, no conflicts (2 of 4 stars). 2 submissions from 2 submitters: Uncertain significance (2). Last evaluated 2023-06-16.

Conditions:
Peutz-Jeghers syndrome (PJS). Also called: POLYPOSIS, HAMARTOMATOUS INTESTINAL; POLYPS-AND-SPOTS SYNDROME; Peutz-Jeghers polyposis; Periorificial lentiginosis syndrome. Identifiers: Orphanet 2869, MedGen C0031269, MeSH D010580, MONDO:0008280, OMIM 175200.
Melanoma, cutaneous malignant, susceptibility to, 1 (CMM1). Also called: DYSPLASTIC NEVUS SYNDROME, HEREDITARY; FAMILIAL ATYPICAL MOLE-MALIGNANT MELANOMA SYNDROME; MELANOMA, MALIGNANT; B-K MOLE SYNDROME. Identifiers: Orphanet 618, MedGen C1835047, MONDO:0007963, OMIM 155600.

Submissions (2):

Baylor Genetics
Classification: Uncertain significance for Melanoma, cutaneous malignant, susceptibility to, 1. Last evaluated: 2023-06-16. Review status: criteria provided, single submitter. Criteria: ACMG Guidelines, 2015. Collection method: clinical testing. Allele origin: unknown.

Labcorp Genetics (formerly Invitae), Labcorp
Classification: Uncertain significance for Peutz-Jeghers syndrome. Last evaluated: 2019-10-12. Review status: criteria provided, single submitter. Criteria: Invitae Variant Classification Sherloc (09022015). Collection method: clinical testing. Allele origin: germline.
Comment: In summary, the available evidence is currently insufficient to determine the role of this variant in disease. Therefore, it has been classified as a Variant of Uncertain Significance. Algorithms developed to predict the effect of missense changes on protein structure and function are either unavailable or do not agree on the potential impact of this missense change (SIFT: "Deleterious"; PolyPhen-2: "Benign"; Align-GVGD: "Class C25"). This variant has not been reported in the literature in individuals with STK11-related conditions. ClinVar contains an entry for this variant (Variation ID: 582534). This variant is not present in population databases (ExAC no frequency). This sequence change replaces glycine with arginine at codon 155 of the STK11 protein (p.Gly155Arg). The glycine residue is highly conserved and there is a moderate physicochemical difference between glycine and arginine.

NM_000455.5(STK11):c.463G>C (p.Gly155Arg)

Gene: STK11 (serine/threonine kinase 11; plus strand). Cytogenetic location: 19p13.3.
Variant type: single nucleotide variant.
Coding change: c.463G>C on transcript NM_000455.5 (MANE Select); coding-DNA position 463, G replaced by C.
Protein change: p.Gly155Arg; replaces glycine 155 with arginine.
Molecular consequence: missense variant.
Genome position (GRCh38, 1-based): chr19:1,219,412, G>C. VCF-style: chr19-1219412-G-C. GRCh37 (hg19) VCF-style: chr19-1219411-G-C.
Other names: short protein forms G155R.
Identifiers: ClinVar variation 582534 (VCV000582534.11), dbSNP rs763353991, ClinGen allele CA402948397.